The following is an entry in ClinVar:

NM_018043.7(ANO1):c.1259-4G>A

Gene: ANO1 (anoctamin 1; plus strand). Cytogenetic location: 11q13.3.
Variant type: single nucleotide variant.
Coding change: c.1259-4G>A on transcript NM_018043.7 (MANE Select); 4 bases into the intron before coding-DNA position 1259, G replaced by A.
Molecular consequence: intron variant.
Genome position (GRCh38, 1-based): chr11:70,149,706, G>A. VCF-style: chr11-70149706-G-A. GRCh37 (hg19) VCF-style: chr11-69995812-G-A.
Other names: c.1448-4G>A (NM_001378092.1); c.1259-4G>A (NM_001378093.1, NM_001378094.2, NM_001378096.2); c.1325-4G>A (NM_001378095.2); c.1160-4G>A (NM_001378097.2).
Identifiers: ClinVar variation 3341533 (VCV003341533.16).

ClinVar aggregate classification (germline): Likely benign (1 of 4 stars; one submission).

gnomAD v4.1: 4,231 of 1,611,900 alleles (0.26%); highest among the groups gnomAD compares: East Asian, 0.33%; 17 homozygotes.

Submission:

CeGaT Center for Human Genetics Tuebingen
Classification: Likely benign. Last evaluated: 2026-06-01. Review status: criteria provided, single submitter. Criteria: CeGaT Center For Human Genetics Tuebingen Variant Classification Criteria Version 2. Collection method: clinical testing. Allele origin: germline. Affected: yes. Observed: 4 variant alleles.
Comment: ANO1: BP4, BS2